The following is an entry in ClinVar:

NM_172250.3(MMAA):c.57A>G (p.Ala19=)

Gene: MMAA (metabolism of cobalamin associated A; plus strand). Cytogenetic location: 4q31.21.
Variant type: single nucleotide variant.
Coding change: c.57A>G on transcript NM_172250.3 (MANE Select); coding-DNA position 57, A replaced by G.
Protein change: p.Ala19=; no amino-acid change (alanine 19 retained).
Molecular consequence: synonymous variant.
Genome position (GRCh38, 1-based): chr4:145,639,196, A>G. VCF-style: chr4-145639196-A-G. GRCh37 (hg19) VCF-style: chr4-146560348-A-G.
Other names: c.57A>G, p.Ala19= (NM_001375644.1).
Identifiers: ClinVar variation 705207 (VCV000705207.13), dbSNP rs143211378, ClinGen allele CA3095110.

ClinVar aggregate classification (germline): Likely benign. Review status: criteria provided, single submitter (1 of 4 stars). 3 submissions from 3 submitters: Likely benign (1). 2 of the submissions do not count toward it. Last evaluated 2026-01-24.

Conditions:
Methylmalonic aciduria, cblA type (MACA). Also called: Vitamin B12-responsive methylmalonic acidemia type cblA; Methylmalonic aciduria, vitamin B12-responsive; Methylmalonic aciduria, vitamin b12-responsive, due to defect in synthesis of adenosylcobalamin, cbla complementation type; MMA cbl A type; Methylmalonic acidemia cblA type. Identifiers: Orphanet 28, Orphanet 79310, MedGen C1855109, MONDO:0009613, OMIM 251100.
MMAA-related disorder. Also called: MMAA-related condition.

Allele frequency attached by ClinVar (database versions not stated): gnomAD exomes 0.00004; gnomAD 0.00035; ESP Exome Variant Server 0.00062; TOPMed 0.00067; 1000 Genomes Project 30x 0.00078; 1000 Genomes Project 0.00100.
gnomAD v4.1: 141 of 1,614,142 alleles (0.0087%); highest among the groups gnomAD compares: African/African-American, 0.16%; no homozygotes.

Submissions (3):

Labcorp Genetics (formerly Invitae), Labcorp
Classification: Likely benign for Methylmalonic aciduria, cblA type. Last evaluated: 2026-01-24. Review status: criteria provided, single submitter. Criteria: Invitae Variant Classification Sherloc (09022015). Collection method: clinical testing. Allele origin: germline.

Natera, Inc.
Classification: Likely benign for Methylmalonic aciduria cblA type. Last evaluated: 2020-04-16. Review status: no assertion criteria provided. Collection method: clinical testing. Allele origin: germline. Not counted in ClinVar's aggregate classification.

PreventionGenetics, part of Exact Sciences
Classification: Likely benign for MMAA-related condition. Last evaluated: 2019-02-25. Review status: no assertion criteria provided. Collection method: clinical testing. Allele origin: germline. Not counted in ClinVar's aggregate classification.
Comment: This variant is classified as likely benign based on ACMG/AMP sequence variant interpretation guidelines (Richards et al. 2015 PMID: 25741868, with internal and published modifications).